The following is an entry in ClinVar:

ClinVar aggregate classification (germline): Benign. Review status: criteria provided, multiple submitters, no conflicts (2 of 4 stars). 2 submissions from 2 submitters: Benign (2). Last evaluated 2018-06-14.

Allele frequency attached by ClinVar (database versions not stated): 1000 Genomes Project 30x 0.45690; TOPMed 0.51075; 1000 Genomes Project 0.44529.

Submissions (2):

GeneDx
Classification: Benign. Last evaluated: 2018-06-14. Review status: criteria provided, single submitter. Criteria: GeneDx Variant Classification (06012015). Collection method: clinical testing. Allele origin: germline. Affected: yes.
Comment: This variant is considered likely benign or benign based on one or more of the following criteria: it is a conservative change, it occurs at a poorly conserved position in the protein, it is predicted to be benign by multiple in silico algorithms, and/or has population frequency not consistent with disease.

Breakthrough Genomics
Classification: Benign. Review status: criteria provided, single submitter. Criteria: ACMG Guidelines, 2015. Collection method: not provided. Allele origin: germline. Inheritance: Autosomal recessive inheritance. Affected: yes.

NM_003201.2(TFAM):c.-229A>G

Gene: TFAM (transcription factor A, mitochondrial; plus strand). Cytogenetic location: 10q21.1.
Variant type: single nucleotide variant.
Coding change: c.-229A>G on transcript NM_003201.2; 229 bases upstream of the start codon, A replaced by G.
Genome position (GRCh38, 1-based): chr10:58,385,319, A>G. VCF-style: chr10-58385319-A-G. GRCh37 (hg19) VCF-style: chr10-60145079-A-G.
Identifiers: ClinVar variation 684177 (VCV000684177.4), dbSNP rs12247015, ClinGen allele CA13156048.